The following is an entry in ClinVar:

NM_006648.4(WNK2):c.2462C>T (p.Pro821Leu)

Gene: WNK2 (WNK lysine deficient protein kinase 2; plus strand). Cytogenetic location: 9q22.31.
Variant type: single nucleotide variant.
Coding change: c.2462C>T on transcript NM_006648.4 (MANE Select); coding-DNA position 2462, C replaced by T.
Protein change: p.Pro821Leu; replaces proline 821 with leucine.
Molecular consequence: missense variant.
Genome position (GRCh38, 1-based): chr9:93,259,010, C>T. VCF-style: chr9-93259010-C-T. GRCh37 (hg19) VCF-style: chr9-96021292-C-T.
Other names: c.2462C>T, p.Pro821Leu (NM_001282394.3); short protein forms P821L.
Identifiers: ClinVar variation 3816429 (VCV003816429.1).

ClinVar aggregate classification (germline): Uncertain significance (1 of 4 stars; one submission).

gnomAD v4.1: 18 of 1,612,812 alleles (0.0011%); highest among the groups gnomAD compares: African/African-American, 0.008%; no homozygotes.

Submission:

Ambry Genetics
Classification: Uncertain significance. Last evaluated: 2024-12-12. Review status: criteria provided, single submitter. Criteria: Ambry Variant Classification Scheme 2023. Collection method: clinical testing. Allele origin: germline.
Comment: The p.P821L variant (also known as c.2462C>T), located in coding exon 11 of the WNK2 gene, results from a C to T substitution at nucleotide position 2462. The proline at codon 821 is replaced by leucine, an amino acid with similar properties. This amino acid position is conserved. In addition, the in silico prediction for this alteration is inconclusive. Based on the available evidence, the clinical significance of this variant remains unclear.